The following is an entry in ClinVar:

NM_018249.6(CDK5RAP2):c.431G>A (p.Arg144Gln)

Gene: CDK5RAP2 (CDK5 regulatory subunit associated protein 2; minus strand). Cytogenetic location: 9q33.2.
Variant type: single nucleotide variant.
Coding change: c.431G>A on transcript NM_018249.6 (MANE Select); coding-DNA position 431, G replaced by A.
Protein change: p.Arg144Gln; replaces arginine 144 with glutamine.
Molecular consequence: missense variant. On other transcripts: non-coding transcript variant (5).
Genome position (GRCh38, 1-based): chr9:120,539,117, C>T on the plus strand (G>A on the coding strand, the complement: CDK5RAP2 is on the minus strand). VCF-style: chr9-120539117-C-T. GRCh37 (hg19) VCF-style: chr9-123301395-C-T.
Other names: c.431G>A (NM_018249.4); c.431G>A, p.Arg144Gln (NM_001011649.3, NM_001272039.2, NM_001410992.1 and 2 more transcripts); short protein forms R144Q.
Identifiers: ClinVar variation 2419562 (VCV002419562.9), dbSNP rs569356580, ClinGen allele CA5214733.

ClinVar aggregate classification (germline): Uncertain significance. Review status: criteria provided, multiple submitters, no conflicts (2 of 4 stars). 2 submissions from 2 submitters: Uncertain significance (2). Last evaluated 2023-06-07.

Conditions:
Inborn genetic diseases. Identifiers: MedGen C0950123, MeSH D030342.

Allele frequency attached by ClinVar (database versions not stated): TOPMed 0.00001; ExAC 0.00002; gnomAD 0.00002.
gnomAD v4.1: 27 of 1,613,870 alleles (0.0017%); highest among the groups gnomAD compares: East Asian, 0.029%; no homozygotes.

Submissions (2):

Ambry Genetics
Classification: Uncertain significance for Inborn genetic diseases. Last evaluated: 2023-06-07. Review status: criteria provided, single submitter. Criteria: Ambry Variant Classification Scheme 2023. Collection method: clinical testing. Allele origin: germline.

Labcorp Genetics (formerly Invitae), Labcorp
Classification: Uncertain significance. Last evaluated: 2022-09-27. Review status: criteria provided, single submitter. Criteria: Invitae Variant Classification Sherloc (09022015). Collection method: clinical testing. Allele origin: germline.
Comment: In summary, the available evidence is currently insufficient to determine the role of this variant in disease. Therefore, it has been classified as a Variant of Uncertain Significance. Algorithms developed to predict the effect of sequence changes on RNA splicing suggest that this variant may create or strengthen a splice site. Algorithms developed to predict the effect of missense changes on protein structure and function are either unavailable or do not agree on the potential impact of this missense change (SIFT: "Deleterious"; PolyPhen-2: "Benign"; Align-GVGD: "Class C0"). This variant has not been reported in the literature in individuals affected with CDK5RAP2-related conditions. This variant is present in population databases (rs569356580, gnomAD 0.04%). This sequence change replaces arginine, which is basic and polar, with glutamine, which is neutral and polar, at codon 144 of the CDK5RAP2 protein (p.Arg144Gln).